The following is an entry in ClinVar:

NM_033343.4(LHX4):c.63T>C (p.Gly21=)

Gene: LHX4 (LIM homeobox 4; plus strand). Cytogenetic location: 1q25.2.
Variant type: single nucleotide variant.
Coding change: c.63T>C on transcript NM_033343.4 (MANE Select); coding-DNA position 63, T replaced by C.
Protein change: p.Gly21=; no amino-acid change (glycine 21 retained).
Molecular consequence: synonymous variant.
Genome position (GRCh38, 1-based): chr1:180,230,592, T>C. VCF-style: chr1-180230592-T-C. GRCh37 (hg19) VCF-style: chr1-180199727-T-C.
Identifiers: ClinVar variation 293858 (VCV000293858.16), dbSNP rs75857235, ClinGen allele CA1271780.
Genomic context (GRCh38, chr1:180,230,592, plus strand): 5'-GATGCAGAGTGCGACTGTCCCCGCGGAAGGGGCTGTCAAGGGGCTCCCGGAGATGCTAGG[T>C]GTGCCGATGCAACGTAAGACACCCCCCTTTCTCGCTGATTTAATTCTAACAAGACAGCTA-3'
Protein context (NP_203129.1, residues 11-31): GAVKGLPEML[Gly21=]VPMQQIPQCA

ClinVar aggregate classification (germline): Benign. Review status: criteria provided, multiple submitters, no conflicts (2 of 4 stars). 5 submissions from 5 submitters: Benign (5). Last evaluated 2026-05-11.

Conditions:
Short stature-pituitary and cerebellar defects-small sella turcica syndrome (CPHD4). Also called: Pituitary hormone deficiency, combined with or without cerebellar defects; Short stature, pituitary and cerebellar defects and small sella turcica. Identifiers: Orphanet 85442, MedGen C2678408, MONDO:0009880, OMIM 262700.

Allele frequency attached by ClinVar (database versions not stated): gnomAD exomes 0.00448 and 0.01206; TOPMed 0.00666; ESP Exome Variant Server 0.00046; 1000 Genomes Project 30x 0.02623; gnomAD 0.00465 and 0.00609; ExAC 0.01155; 1000 Genomes Project 0.02875.
gnomAD v4.1: 7,719 of 1,613,584 alleles (0.48%); highest among the groups gnomAD compares: East Asian, 13%; 382 homozygotes.

Submissions (5):

Women's Health and Genetics/Laboratory Corporation of America, LabCorp
Classification: Benign. Last evaluated: 2026-05-11. Review status: criteria provided, single submitter. Criteria: LabCorp Variant Classification Summary - May 2015. Collection method: clinical testing. Allele origin: germline.

Labcorp Genetics (formerly Invitae), Labcorp
Classification: Benign. Last evaluated: 2026-02-01. Review status: criteria provided, single submitter. Criteria: Invitae Variant Classification Sherloc (09022015). Collection method: clinical testing. Allele origin: germline.

GeneDx
Classification: Benign. Last evaluated: 2018-11-12. Review status: criteria provided, single submitter. Criteria: GeneDx Variant Classification Process June 2021. Collection method: clinical testing. Allele origin: germline. Affected: yes.

Illumina Laboratory Services, Illumina
Classification: Benign for Short stature-pituitary and cerebellar defects-small sella turcica syndrome. Last evaluated: 2018-01-13. Review status: criteria provided, single submitter. Criteria: ICSL Variant Classification Criteria 13 December 2019. Collection method: clinical testing. Allele origin: germline.
Comment: This variant was observed in the ICSL laboratory as part of a predisposition screen in an ostensibly healthy population. It had not been previously curated by ICSL or reported in the Human Gene Mutation Database (HGMD: prior to June 1st, 2018), and was therefore a candidate for classification through an automated scoring system. Utilizing variant allele frequency, disease prevalence and penetrance estimates, and inheritance mode, an automated score was calculated to assess if this variant is too frequent to cause the disease. Based on the score and internal cut-off values, a variant classified as benign is not then subjected to further curation. The score for this variant resulted in a classification of benign for this disease.

Breakthrough Genomics
Classification: Benign. Review status: criteria provided, single submitter. Criteria: ACMG Guidelines, 2015. Collection method: not provided. Allele origin: germline. Inheritance: Autosomal dominant inheritance. Affected: yes.